The following is an entry in ClinVar:

ClinVar aggregate classification (germline): Uncertain significance. Review status: criteria provided, multiple submitters, no conflicts (2 of 4 stars). 2 submissions from 2 submitters: Uncertain significance (2). Last evaluated 2025-12-18.

Allele frequency attached by ClinVar (database versions not stated): gnomAD 0.00005; ESP Exome Variant Server 0.00008; gnomAD exomes 0.00008; ExAC 0.00008.
gnomAD v4.1: 75 of 1,610,046 alleles (0.0047%); highest among the groups gnomAD compares: Non-Finnish European, 0.0011%; no homozygotes.

Submissions (2):

Mayo Clinic Laboratories, Mayo Clinic
Classification: Uncertain significance. Last evaluated: 2025-12-18. Review status: criteria provided, single submitter. Criteria: ACMG Guidelines, 2015. Collection method: clinical testing. Allele origin: germline. Observed: 1 variant allele.
Comment: BP4

Labcorp Genetics (formerly Invitae), Labcorp
Classification: Uncertain significance. Last evaluated: 2024-01-17. Review status: criteria provided, single submitter. Criteria: Invitae Variant Classification Sherloc (09022015). Collection method: clinical testing. Allele origin: germline.
Comment: This sequence change replaces glycine, which is neutral and non-polar, with alanine, which is neutral and non-polar, at codon 462 of the MYSM1 protein (p.Gly462Ala). This variant is present in population databases (rs200283055, gnomAD 0.2%). This variant has not been reported in the literature in individuals affected with MYSM1-related conditions. ClinVar contains an entry for this variant (Variation ID: 1374041). Advanced modeling of protein sequence and biophysical properties (such as structural, functional, and spatial information, amino acid conservation, physicochemical variation, residue mobility, and thermodynamic stability) performed at Invitae indicates that this missense variant is expected to disrupt MYSM1 protein function with a positive predictive value of 80%. In summary, the available evidence is currently insufficient to determine the role of this variant in disease. Therefore, it has been classified as a Variant of Uncertain Significance.

NM_001085487.3(MYSM1):c.1385G>C (p.Gly462Ala)

Gene: MYSM1 (Myb like, SWIRM and MPN domains 1; minus strand). Cytogenetic location: 1p32.1.
Variant type: single nucleotide variant.
Coding change: c.1385G>C on transcript NM_001085487.3 (MANE Select); coding-DNA position 1385, G replaced by C.
Protein change: p.Gly462Ala; replaces glycine 462 with alanine.
Molecular consequence: missense variant.
Genome position (GRCh38, 1-based): chr1:58,676,931, C>G on the plus strand (G>C on the coding strand, the complement: MYSM1 is on the minus strand). VCF-style: chr1-58676931-C-G. GRCh37 (hg19) VCF-style: chr1-59142603-C-G.
Other names: p.Gly462Ala; short protein forms G462A.
Identifiers: ClinVar variation 1374041 (VCV001374041.7), dbSNP rs200283055, ClinGen allele CA877844.